The following is an entry in ClinVar:

NM_013275.6(ANKRD11):c.6001C>A (p.His2001Asn)

Gene: ANKRD11 (ankyrin repeat domain containing 11; minus strand). Cytogenetic location: 16q24.3.
Variant type: single nucleotide variant.
Coding change: c.6001C>A on transcript NM_013275.6 (MANE Select); coding-DNA position 6001, C replaced by A.
Protein change: p.His2001Asn; replaces histidine 2001 with asparagine.
Molecular consequence: missense variant.
Genome position (GRCh38, 1-based): chr16:89,280,541, G>T on the plus strand (C>A on the coding strand, the complement: ANKRD11 is on the minus strand). VCF-style: chr16-89280541-G-T. GRCh37 (hg19) VCF-style: chr16-89346949-G-T.
Other names: c.6001C>A, p.His2001Asn (NM_001256182.2, NM_001256183.2); short protein forms H2001N.
Identifiers: ClinVar variation 2631905 (VCV002631905.2), dbSNP rs1567560327, ClinGen allele CA397152260.
Genomic context (GRCh38, chr16:89,280,541, plus strand): 5'-AGGCGGGAGGGGCGGGGTACGGCGCCTCCGAGGCGCTGAAGGGCCCTGGGGCGGCAGAGT[G>T]GAGGGGGTCCGCGGGGCAGAAACGCTTTGGGGACTCGGGGAATCTCTGTGGAGACTTCAG-3'
Protein context (NP_037407.4, residues 1991-2011): PKRFCPADPL[His2001Asn]SAAPGPFSAS

ClinVar aggregate classification (germline): Uncertain significance (0 of 4 stars; one submission).

Conditions:
ANKRD11-related disorder. Also called: ANKRD11-related condition.

Allele frequency attached by ClinVar (database versions not stated): gnomAD 0.00001.
gnomAD v4.1: 11 of 1,612,572 alleles (0.00068%); highest among the groups gnomAD compares: Admixed American, 0.0017%; no homozygotes.

Submission:

PreventionGenetics, part of Exact Sciences
Classification: Uncertain significance for ANKRD11-related condition. Last evaluated: 2024-05-07. Review status: no assertion criteria provided. Collection method: clinical testing. Allele origin: germline.
Comment: The ANKRD11 c.6001C>A variant is predicted to result in the amino acid substitution p.His2001Asn. To our knowledge, this variant has not been reported in the literature. This variant is reported one individual of Latino descent in gnomAD. At this time, the clinical significance of this variant is uncertain due to the absence of conclusive functional and genetic evidence.